The following is an entry in ClinVar:

NM_000465.4(BARD1):c.2318T>C (p.Leu773Pro)

Gene: BARD1 (BRCA1 associated RING domain 1; minus strand). Cytogenetic location: 2q35.
Variant type: single nucleotide variant.
Coding change: c.2318T>C on transcript NM_000465.4 (MANE Select); coding-DNA position 2318, T replaced by C.
Protein change: p.Leu773Pro; replaces leucine 773 with proline.
Molecular consequence: missense variant. On other transcripts: non-coding transcript variant (3).
Genome position (GRCh38, 1-based): chr2:214,728,692, A>G on the plus strand (T>C on the coding strand, the complement: BARD1 is on the minus strand). VCF-style: chr2-214728692-A-G. GRCh37 (hg19) VCF-style: chr2-215593416-A-G.
Other names: c.2261T>C, p.Leu754Pro (NM_001282543.2); c.965T>C, p.Leu322Pro (NM_001282545.2); c.908T>C, p.Leu303Pro (NM_001282548.2); c.779T>C, p.Leu260Pro (NM_001282549.2); c.2318T>C (NM_000465.2); short protein forms L773P, L260P, L754P, L322P, L303P.
Identifiers: ClinVar variation 629449 (VCV000629449.9), dbSNP rs1559371391, ClinGen allele CA350449692.

ClinVar aggregate classification (germline): Uncertain significance. Review status: criteria provided, multiple submitters, no conflicts (2 of 4 stars). 3 submissions from 3 submitters: Uncertain significance (3). Last evaluated 2026-07-06.

Conditions:
Hereditary cancer-predisposing syndrome. Also called: Neoplastic Syndromes, Hereditary; Hereditary Cancer Syndrome; Hereditary neoplastic syndrome; Tumor predisposition. Identifiers: Orphanet 140162, MedGen C0027672, MeSH D009386, MONDO:0015356.
Familial cancer of breast. Also called: hereditary breast carcinoma; BREAST CANCER, FAMILIAL; Hereditary breast cancer. Identifiers: Orphanet 227535, MedGen C0346153, MONDO:0016419, OMIM 114480. Disease mechanism: loss of function.

Allele frequency attached by ClinVar (database versions not stated): gnomAD exomes below 0.00001.
gnomAD v4.1: 1 of 1,614,230 alleles (0.000062%); highest among the groups gnomAD compares: Non-Finnish European, 0.000085%; no homozygotes.

Submissions (3):

Ambry Genetics
Classification: Uncertain significance for Hereditary cancer-predisposing syndrome. Last evaluated: 2026-07-06. Review status: criteria provided, single submitter. Criteria: Ambry Variant Classification Scheme 2023. Collection method: clinical testing. Allele origin: germline.
Comment: The p.L773P variant (also known as c.2318T>C), located in coding exon 11 of the BARD1 gene, results from a T to C substitution at nucleotide position 2318. The leucine at codon 773 is replaced by proline, an amino acid with similar properties. This amino acid position is conserved. In addition, the in silico prediction for this alteration is inconclusive. Based on the available evidence, the clinical significance of this variant remains unclear.

Color Diagnostics, LLC DBA Color Health
Classification: Uncertain significance for Hereditary cancer-predisposing syndrome. Last evaluated: 2023-12-05. Review status: criteria provided, single submitter. Criteria: ACMG Guidelines, 2015. Collection method: clinical testing. Allele origin: germline.
Comment: This missense variant replaces leucine with proline at codon 773 of the BARD1 protein. Computational prediction is inconclusive regarding the impact of this variant on protein structure and function (internally defined REVEL score threshold 0.5 < inconclusive < 0.7, PMID: 27666373). To our knowledge, functional studies have not been reported for this variant. This variant has not been reported in individuals affected with BARD1-related disorders in the literature. This variant has not been identified in the general population by the Genome Aggregation Database (gnomAD). The available evidence is insufficient to determine the role of this variant in disease conclusively. Therefore, this variant is classified as a Variant of Uncertain Significance.

Labcorp Genetics (formerly Invitae), Labcorp
Classification: Uncertain significance for Familial cancer of breast. Last evaluated: 2022-11-16. Review status: criteria provided, single submitter. Criteria: Invitae Variant Classification Sherloc (09022015). Collection method: clinical testing. Allele origin: germline.
Comment: In summary, the available evidence is currently insufficient to determine the role of this variant in disease. Therefore, it has been classified as a Variant of Uncertain Significance. Algorithms developed to predict the effect of missense changes on protein structure and function (SIFT, PolyPhen-2, Align-GVGD) all suggest that this variant is likely to be disruptive. ClinVar contains an entry for this variant (Variation ID: 629449). This variant has not been reported in the literature in individuals affected with BARD1-related conditions. This variant is not present in population databases (gnomAD no frequency). This sequence change replaces leucine, which is neutral and non-polar, with proline, which is neutral and non-polar, at codon 773 of the BARD1 protein (p.Leu773Pro).